The following is an entry in ClinVar:

ClinVar aggregate classification (germline): Uncertain significance. Review status: criteria provided, multiple submitters, no conflicts (2 of 4 stars). 6 submissions from 6 submitters: Uncertain significance (6). Last evaluated 2025-09-02.

Conditions:
Hereditary cancer-predisposing syndrome. Also called: Hereditary neoplastic syndrome; Hereditary Cancer Syndrome; Neoplastic Syndromes, Hereditary; Tumor predisposition. Identifiers: Orphanet 140162, MedGen C0027672, MeSH D009386, MONDO:0015356.
Peutz-Jeghers syndrome (PJS). Also called: Peutz-Jeghers polyposis; Periorificial lentiginosis syndrome; POLYPOSIS, HAMARTOMATOUS INTESTINAL; POLYPS-AND-SPOTS SYNDROME. Identifiers: Orphanet 2869, MedGen C0031269, MeSH D010580, MONDO:0008280, OMIM 175200.

Allele frequency attached by ClinVar (database versions not stated): gnomAD exomes below 0.00001; ExAC 0.00001.

Submissions (6):

Labcorp Genetics (formerly Invitae), Labcorp
Classification: Uncertain significance for Peutz-Jeghers syndrome. Last evaluated: 2025-09-02. Review status: criteria provided, single submitter. Criteria: Invitae Variant Classification Sherloc (09022015). Collection method: clinical testing. Allele origin: germline.
Comment: This sequence change replaces threonine, which is neutral and polar, with alanine, which is neutral and non-polar, at codon 363 of the STK11 protein (p.Thr363Ala). This variant is present in population databases (rs764458789, gnomAD 0.006%). This variant has not been reported in the literature in individuals affected with STK11-related conditions. ClinVar contains an entry for this variant (Variation ID: 419166). Invitae Evidence Modeling of protein sequence and biophysical properties (such as structural, functional, and spatial information, amino acid conservation, physicochemical variation, residue mobility, and thermodynamic stability) indicates that this missense variant is not expected to disrupt STK11 protein function with a negative predictive value of 95%. Experimental studies are conflicting or provide insufficient evidence to determine the effect of this variant on STK11 function (PMID: 23584481). In summary, the available evidence is currently insufficient to determine the role of this variant in disease. Therefore, it has been classified as a Variant of Uncertain Significance.

Ambry Genetics
Classification: Uncertain significance for Hereditary cancer-predisposing syndrome. Last evaluated: 2024-11-29. Review status: criteria provided, single submitter. Criteria: Ambry Variant Classification Scheme 2023. Collection method: clinical testing. Allele origin: germline.
Comment: The p.T363A variant (also known as c.1087A>G), located in coding exon 8 of the STK11 gene, results from an A to G substitution at nucleotide position 1087. The threonine at codon 363 is replaced by alanine, an amino acid with similar properties. This alteration has been identified in multiple individuals diagnosed with breast cancer (Guindalini RSC et al. Sci Rep, 2022 Mar;12:4190; Liu Y et al. Front Genet, 2023 Nov;14:1271710). This amino acid position is highly conserved in available vertebrate species. In addition, this alteration is predicted to be tolerated by in silico analysis. Based on the available evidence, the clinical significance of this variant remains unclear.

Genome-Nilou Lab
Classification: Uncertain significance for Peutz-Jeghers syndrome. Last evaluated: 2021-07-15. Review status: criteria provided, single submitter. Criteria: ACMG Guidelines, 2015. Collection method: clinical testing. Allele origin: germline. Affected: no.

Color Diagnostics, LLC DBA Color Health
Classification: Uncertain significance for Hereditary cancer-predisposing syndrome. Last evaluated: 2020-11-24. Review status: criteria provided, single submitter. Criteria: ACMG Guidelines, 2015. Collection method: clinical testing. Allele origin: germline.
Comment: This missense variant replaces threonine with alanine at codon 363 of the STK11 protein. Computational prediction tools and conservation analyses are inconclusive regarding the impact of this variant on the protein function. Computational splicing tools suggest that this variant may not impact RNA splicing. A functional study has shown that Thr363 of the STK11 protein is a phosphorylation site for ATM, ATR and DNA-PKcs kinases and that this variant disrupts such phosphorylation in response to ionizing radiation (PMID: 23584481). However, this study has also shown that Thr363 phosphorylation is not required for STK11 recruitment to the DNA double-strand break sites. The clinical relevance of this observation is not known. This variant has been reported in individuals affected with leukemia (PMID: 32550823). This variant has been identified in 1/244438 chromosomes in the general population by the Genome Aggregation Database (gnomAD). Available evidence is insufficient to determine the role of this variant in disease conclusively. Therefore, this variant is classified as a Variant of Uncertain Significance.

GeneDx
Classification: Uncertain significance. Last evaluated: 2018-11-06. Review status: criteria provided, single submitter. Criteria: GeneDx Variant Classification (06012015). Collection method: clinical testing. Allele origin: germline. Affected: yes.
Comment: This variant is denoted STK11 c.1087A>G at the cDNA level, p.Thr363Ala (T363A) at the protein level, and results in the change of a Threonine to an Alanine (ACT>GCT). Alexander et al. (2010) demonstrated that this variant was not able to be phosphorylated by ATM in response to oxidative stress; however, Ui et al. (2014) subsequently found that phosphorylation may not be required for protein recruitment to double strand break sites. STK11 Thr363Ala was not observed at a significant allele frequency in large population cohorts (Lek 2016). This variant is located in the c-terminal region (Daniell 2017). In silico analysis, which includes protein predictors and evolutionary conservation, supports that this variant does not alter protein structure/function. Based on currently available evidence, it is unclear whether STK11 Thr363Ala is a pathogenic or benign variant. We consider it to be a variant of uncertain significance.

Mendelics
Classification: Uncertain significance for Peutz-Jeghers syndrome. Last evaluated: 2018-07-02. Review status: criteria provided, single submitter. Criteria: Mendelics Assertion Criteria 2017. Collection method: clinical testing. Allele origin: unknown.

Literature cited by the submitters: PubMed 23584481 (cited by Labcorp Genetics (formerly Invitae), Labcorp); PubMed 35264596 (cited by Ambry Genetics); PubMed 38028594 (cited by Ambry Genetics).

NM_000455.5(STK11):c.1087A>G (p.Thr363Ala)

Genes: STK11 (serine/threonine kinase 11; plus strand), LOC130062899 (ATAC-STARR-seq lymphoblastoid active region 13597; plus strand). Cytogenetic location: 19p13.3.
Variant type: single nucleotide variant.
Coding change: c.1087A>G on transcript NM_000455.5 (MANE Select); coding-DNA position 1087, A replaced by G.
Protein change: p.Thr363Ala; replaces threonine 363 with alanine.
Molecular consequence: missense variant.
Genome position (GRCh38, 1-based): chr19:1,223,151, A>G. VCF-style: chr19-1223151-A-G. GRCh37 (hg19) VCF-style: chr19-1223150-A-G.
Other names: short protein forms T363A.
Identifiers: ClinVar variation 419166 (VCV000419166.23), dbSNP rs764458789, ClinGen allele CA045091.